The following is an entry in ClinVar:

ClinVar aggregate classification (germline): Uncertain significance. Review status: criteria provided, multiple submitters, no conflicts (2 of 4 stars). 2 submissions from 2 submitters: Uncertain significance (2). Last evaluated 2023-06-27.

Conditions:
MTPAP-related disorder. Also called: MTPAP-related condition.

Allele frequency attached by ClinVar (database versions not stated): gnomAD exomes below 0.00001.
gnomAD v4.1: 1 of 1,614,152 alleles (0.000062%); highest among the groups gnomAD compares: Admixed American, 0.0017%; no homozygotes.

Submissions (2):

PreventionGenetics, part of Exact Sciences
Classification: Uncertain significance for MTPAP-related condition. Last evaluated: 2023-06-27. Review status: criteria provided, single submitter. Criteria: ACMG Guidelines, 2015. Collection method: clinical testing. Allele origin: germline.
Comment: The MTPAP c.238A>G variant is predicted to result in the amino acid substitution p.Ile80Val. To our knowledge, this variant has not been reported in the literature. This variant is reported in 0.0029% of alleles in individuals of Latino descent in gnomAD. At this time, the clinical significance of this variant is uncertain due to the absence of conclusive functional and genetic evidence.

Labcorp Genetics (formerly Invitae), Labcorp
Classification: Uncertain significance. Last evaluated: 2022-06-07. Review status: criteria provided, single submitter. Criteria: Invitae Variant Classification Sherloc (09022015). Collection method: clinical testing. Allele origin: germline.
Comment: In summary, the available evidence is currently insufficient to determine the role of this variant in disease. Therefore, it has been classified as a Variant of Uncertain Significance. Algorithms developed to predict the effect of missense changes on protein structure and function (SIFT, PolyPhen-2, Align-GVGD) all suggest that this variant is likely to be tolerated. This variant has not been reported in the literature in individuals affected with MTPAP-related conditions. This variant is present in population databases (no rsID available, gnomAD 0.003%). This sequence change replaces isoleucine, which is neutral and non-polar, with valine, which is neutral and non-polar, at codon 80 of the MTPAP protein (p.Ile80Val).

NM_018109.4(MTPAP):c.238A>G (p.Ile80Val)

Gene: MTPAP (mitochondrial poly(A) polymerase; minus strand). Cytogenetic location: 10p11.23.
Variant type: single nucleotide variant.
Coding change: c.238A>G on transcript NM_018109.4 (MANE Select); coding-DNA position 238, A replaced by G.
Protein change: p.Ile80Val; replaces isoleucine 80 with valine.
Molecular consequence: missense variant.
Genome position (GRCh38, 1-based): chr10:30,341,560, T>C on the plus strand (A>G on the coding strand, the complement: MTPAP is on the minus strand). VCF-style: chr10-30341560-T-C. GRCh37 (hg19) VCF-style: chr10-30630489-T-C.
Other names: c.238A>G (NM_018109.3); short protein forms I80V.
Identifiers: ClinVar variation 2134264 (VCV002134264.5), dbSNP rs1255448692, ClinGen allele CA376428482.